The following is an entry in ClinVar:

NM_007294.4(BRCA1):c.3616G>A (p.Ala1206Thr)

Genes: BRCA1 (BRCA1 DNA repair associated; minus strand), LOC126862571 (BRD4-independent group 4 enhancer GRCh37_chr17:41243136-41244335; plus strand). Cytogenetic location: 17q21.31.
Variant type: single nucleotide variant.
Coding change: c.3616G>A on transcript NM_007294.4 (MANE Select); coding-DNA position 3616, G replaced by A.
Protein change: p.Ala1206Thr; replaces alanine 1206 with threonine.
Molecular consequence: missense variant. On other transcripts: intron variant (135).
Genome position (GRCh38, 1-based): chr17:43,091,915, C>T on the plus strand (G>A on the coding strand, the complement: BRCA1 is on the minus strand). VCF-style: chr17-43091915-C-T. GRCh37 (hg19) VCF-style: chr17-41243932-C-T.
Other names: c.3403G>A, p.Ala1135Thr (NM_001407571.1, NM_001407853.1, NM_001407894.1 and 9 more transcripts); c.3616G>A, p.Ala1206Thr (NM_001407581.1, NM_001407582.1, NM_001407583.1 and 30 more transcripts); c.3613G>A, p.Ala1205Thr (NM_001407587.1, NM_001407590.1, NM_001407591.1 and 22 more transcripts); c.3607G>A, p.Ala1203Thr (NM_001407646.1, NM_001407647.1); c.3493G>A, p.Ala1165Thr (NM_001407648.1, NM_001407664.1, NM_001407665.1 and 19 more transcripts); c.3490G>A, p.Ala1164Thr (NM_001407649.1, NM_001407670.1, NM_001407671.1 and 11 more transcripts); c.3538G>A, p.Ala1180Thr (NM_001407653.1, NM_001407654.1, NM_001407655.1 and 4 more transcripts); c.3535G>A, p.Ala1179Thr (NM_001407659.1, NM_001407660.1, NM_001407661.1 and 1 more transcripts); and 41 more; short protein forms A1038T, A1079T, A1117T, A1139T, A1158T, A338T, A1078T, A1136T.
Identifiers: ClinVar variation 2072382 (VCV002072382.6), dbSNP rs1555587407, ClinGen allele CA10594738.

ClinVar aggregate classification (germline): Conflicting classifications of pathogenicity. Review status: criteria provided, conflicting classifications (1 of 4 stars). 2 submissions from 2 submitters: Uncertain significance (1); Likely benign (1). Last evaluated 2023-03-23.

Conditions:
Hereditary cancer-predisposing syndrome. Also called: Neoplastic Syndromes, Hereditary; Hereditary Cancer Syndrome; Tumor predisposition; Hereditary neoplastic syndrome. Identifiers: Orphanet 140162, MedGen C0027672, MeSH D009386, MONDO:0015356.
Hereditary breast ovarian cancer syndrome. Also called: BRCA1- and BRCA2-Associated Hereditary Breast and Ovarian Cancer; Hereditary breast and/or ovarian cancer syndrome; Hereditary breast and ovarian cancer syndrome; Hereditary breast and ovarian cancer syndrome (HBOC); Breast and ovarian cancer; Hereditary breast and ovarian cancer. Identifiers: Orphanet 145, MedGen C0677776, MeSH D061325, MONDO:0003582. Disease mechanism: loss of function.

Allele frequency attached by ClinVar (database versions not stated): gnomAD exomes below 0.00001.
gnomAD v4.1: 2 of 1,614,122 alleles (0.00012%); highest among the groups gnomAD compares: East Asian, 0.0022%; no homozygotes.

Submissions (2):

University of Washington Department of Laboratory Medicine, University of Washington
Classification: Likely benign for Hereditary cancer-predisposing syndrome. Last evaluated: 2023-03-23. Review status: criteria provided, single submitter. Criteria: Dines et al. (Genet Med. 2020). Collection method: curation. Allele origin: germline.
Comment: Missense variant in a coldspot region where missense variants are very unlikely to be pathogenic (PMID:31911673).

BRCA1 coldspot (exon 11 using historical exon numbering). Reclassification based on statistical prior probability

Labcorp Genetics (formerly Invitae), Labcorp
Classification: Uncertain significance for Hereditary breast ovarian cancer syndrome. Last evaluated: 2022-01-03. Review status: criteria provided, single submitter. Criteria: Invitae Variant Classification Sherloc (09022015). Collection method: clinical testing. Allele origin: germline.
Comment: This sequence change replaces alanine, which is neutral and non-polar, with threonine, which is neutral and polar, at codon 1206 of the BRCA1 protein (p.Ala1206Thr). This variant is not present in population databases (gnomAD no frequency). In summary, the available evidence is currently insufficient to determine the role of this variant in disease. Therefore, it has been classified as a Variant of Uncertain Significance. Advanced modeling of protein sequence and biophysical properties (such as structural, functional, and spatial information, amino acid conservation, physicochemical variation, residue mobility, and thermodynamic stability) performed at Invitae indicates that this missense variant is not expected to disrupt BRCA1 protein function. This variant has not been reported in the literature in individuals affected with BRCA1-related conditions.